The following is an entry in ClinVar:

ClinVar aggregate classification (germline): Uncertain significance (1 of 4 stars; one submission).

Conditions:
Hereditary cancer-predisposing syndrome. Also called: Neoplastic Syndromes, Hereditary; Tumor predisposition; Hereditary Cancer Syndrome; Hereditary neoplastic syndrome. Identifiers: Orphanet 140162, MedGen C0027672, MeSH D009386, MONDO:0015356.

Submission:

Ambry Genetics
Classification: Uncertain significance for Hereditary cancer-predisposing syndrome. Last evaluated: 2022-03-07. Review status: criteria provided, single submitter. Criteria: Ambry Variant Classification Scheme 2023. Collection method: clinical testing. Allele origin: germline.
Comment: The p.T250A variant (also known as c.748A>G), located in coding exon 7 of the SDHB gene, results from an A to G substitution at nucleotide position 748. The threonine at codon 250 is replaced by alanine, an amino acid with similar properties. This amino acid position is conserved. In addition, this alteration is predicted to be deleterious by in silico analysis. Since supporting evidence is limited at this time, the clinical significance of this alteration remains unclear.

NM_003000.3(SDHB):c.748A>G (p.Thr250Ala)

Gene: SDHB (succinate dehydrogenase complex iron sulfur subunit B; minus strand). Cytogenetic location: 1p36.13.
Variant type: single nucleotide variant.
Coding change: c.748A>G on transcript NM_003000.3 (MANE Select); coding-DNA position 748, A replaced by G.
Protein change: p.Thr250Ala; replaces threonine 250 with alanine.
Molecular consequence: missense variant.
Genome position (GRCh38, 1-based): chr1:17,022,625, T>C on the plus strand (A>G on the coding strand, the complement: SDHB is on the minus strand). VCF-style: chr1-17022625-T-C. GRCh37 (hg19) VCF-style: chr1-17349120-T-C.
Other names: c.694A>G, p.Thr232Ala (NM_001407361.1); short protein forms T232A, T250A.
Identifiers: ClinVar variation 1759135 (VCV001759135.2), dbSNP rs2525003777, ClinGen allele CA338270029.
Genomic context (GRCh38, chr1:17,022,625, plus strand): 5'-TGTCAGCTCTGAGGCAGAGCTGAGGGTCACCAGCCCCACGTACCTTAGGACAGGTCCTTG[T>C]GCAGTTCATGATGGTGTGGCAGCGGTATAGAGAGAATGGGTCCTGCAGCTTGGCCAGGCG-3'
Protein context (NP_002991.2, residues 240-260): LYRCHTIMNC[Thr250Ala]RTCPKGLNPG